The following is an entry in ClinVar:

NM_014892.5(SCAF8):c.1891del (p.Ala631fs)

Gene: SCAF8 (SR-related CTD associated factor 8; plus strand). Cytogenetic location: 6q25.2.
Variant type: Deletion.
Coding change: c.1891del on transcript NM_014892.5 (MANE Select); coding-DNA position 1891, one base deleted (G; older notation c.1891delG).
Protein change: p.Ala631fs; shifts the reading frame from alanine 631.
Molecular consequence: frameshift variant.
Genome position (GRCh38, 1-based): chr6:154,822,374, G deleted; the last of 2 consecutive G bases (chr6:154,822,373-154,822,374); deleting either gives the same sequence. VCF-style (leftmost placement, unchanged base first): chr6-154822372-AG-A. GRCh37 (hg19) VCF-style: chr6-155143506-AG-A.
Other names: c.2125del, p.Ala709fs (NM_001286188.1); c.2089del, p.Ala697fs (NM_001286189.1); c.2026del, p.Ala676fs (NM_001286194.1); c.1891del, p.Ala631fs (NM_001286199.2); short protein forms A631fs, A676fs, A697fs, A709fs.
Identifiers: ClinVar variation 4279523 (VCV004279523.2).

ClinVar aggregate classification (germline): Uncertain significance (1 of 4 stars; one submission).

Submission:

Clinical Genomic Analysis (GENYSIS) Core, University of North Carolina at Chapel Hill
Classification: Uncertain significance. Last evaluated: 2025-09-24. Review status: criteria provided, single submitter. Criteria: ACMG Guidelines, 2015. Collection method: research. Allele origin: de novo. Observed: 1 heterozygote. Study: UNC Genetic Determinants of Neurological and Developmental Disorders (GDNDD) Study.
Comment: SCAF8 c.1891del; p.(Ala631GlnfsTer24), is a single nucleotide deletion in exon 16 of 20 that is predicted to result in a frameshift, premature protein truncation, and loss of protein function. This variant has not previously been reported in the literature or ClinVar and is not present in control individuals in gnomADv4.1. While SCAF8 has not yet been implicated in human disease, heterozygous loss-of-function variants in SCAF4 are associated with an autosomal dominant neurodevelopmental disorder. The SCAF4 and SCAF8 genes are paralogs that are thought to have arisen via a gene duplication that occurred in vertebrates, and both encode mRNA anti-terminator proteins required for correct gene expression. Functional studies have demonstrated that the lethal SCAF4/SCAF8 double knockout human cell line can be rescued by either SCAF4 or SCAF8, supporting a common and essential function of these proteins (PMID:31104839). Based on the limited evidence supporting SCAF8 variants in human disease, this variant is classified as a variant of uncertain significance.

Literature cited by the submitters: PubMed 31104839.